The following is an entry in ClinVar:

ClinVar aggregate classification (germline): Benign/Likely benign. Review status: criteria provided, multiple submitters, no conflicts (2 of 4 stars). 3 submissions from 3 submitters: Benign (1); Likely benign (2). Last evaluated 2026-01-19.

Allele frequency attached by ClinVar (database versions not stated): gnomAD 0.00016 and 0.00019; gnomAD exomes 0.00016 and 0.00080; TOPMed 0.00030; ExAC 0.00071.

Submissions (3):

Labcorp Genetics (formerly Invitae), Labcorp
Classification: Benign. Last evaluated: 2026-01-19. Review status: criteria provided, single submitter. Criteria: Invitae Variant Classification Sherloc (09022015). Collection method: clinical testing. Allele origin: germline.

Blueprint Genetics
Classification: Likely benign. Last evaluated: 2024-10-15. Review status: criteria provided, single submitter. Criteria: ACMG Guidelines, 2015. Collection method: clinical testing. Allele origin: germline.

GeneDx
Classification: Likely benign. Last evaluated: 2022-10-12. Review status: criteria provided, single submitter. Criteria: GeneDx Variant Classification Process June 2021. Collection method: clinical testing. Allele origin: germline. Affected: yes.
Comment: See Variant Classification Assertion Criteria.

NM_001077653.2(TBX20):c.655-13del

Gene: TBX20 (T-box transcription factor 20; minus strand). Cytogenetic location: 7p14.2.
Variant type: Deletion.
Coding change: c.655-13del on transcript NM_001077653.2 (MANE Select); 13 bases into the intron before coding-DNA position 655, one base deleted (C; older notation c.655-13delC).
Molecular consequence: intron variant.
Genome position (GRCh38, 1-based): chr7:35,241,050, G deleted on the plus strand (C on the coding strand, the reverse complement: TBX20 is on the minus strand). VCF-style (leftmost placement, unchanged base first): chr7-35241049-AG-A. GRCh37 (hg19) VCF-style: chr7-35280661-AG-A.
Other names: c.655-13del (NM_001166220.1).
Identifiers: ClinVar variation 1190731 (VCV001190731.15), dbSNP rs749261695, ClinGen allele CA4217447.